The following is an entry in ClinVar:

ClinVar aggregate classification (germline): Benign/Likely benign. Review status: criteria provided, multiple submitters, no conflicts (2 of 4 stars). 4 submissions from 4 submitters: Benign (2); Likely benign (2). Last evaluated 2026-01-28.

Allele frequency attached by ClinVar (database versions not stated): gnomAD exomes 0.00062 and 0.00162; ExAC 0.00209; 1000 Genomes Project 0.00579; 1000 Genomes Project 30x 0.00656; gnomAD 0.00675 and 0.00728; TOPMed 0.00705; ESP Exome Variant Server 0.00800.
gnomAD v4.1: 1,980 of 1,612,732 alleles (0.12%); highest among the groups gnomAD compares: African/African-American, 2.4%; 25 homozygotes.

Submissions (4):

Women's Health and Genetics/Laboratory Corporation of America, LabCorp
Classification: Likely benign. Last evaluated: 2026-01-28. Review status: criteria provided, single submitter. Criteria: LabCorp Variant Classification Summary - May 2015. Collection method: clinical testing. Allele origin: germline.
Comment: Variant summary: CFHR2 c.395G>A (p.Arg132Gln) results in a conservative amino acid change in the encoded protein sequence. Algorithms developed to predict the effect of missense changes on protein structure and function all suggest that this variant is likely to be tolerated. The variant allele was found at a frequency of 0.0016 in 251314 control chromosomes, predominantly at a frequency of 0.023 within the African or African-American subpopulation in the gnomAD database, including 4 homozygotes. The observed variant frequency within African or African-American control individuals in the gnomAD database exceeds the estimated maximal expected allele frequency for disease-causing variants in CFHR2. To our knowledge, no occurrence of c.395G>A in individuals affected with CFHR2-related conditions and no experimental evidence demonstrating its impact on protein function have been reported. ClinVar contains an entry for this variant (Variation ID: 789953). Based on the evidence outlined above, the variant was classified as likely benign.

Mayo Clinic Laboratories, Mayo Clinic
Classification: Likely benign. Last evaluated: 2024-12-26. Review status: criteria provided, single submitter. Criteria: ACMG Guidelines, 2015. Collection method: clinical testing. Allele origin: germline. Observed: 62 variant alleles.
Comment: BS1, BP4

Labcorp Genetics (formerly Invitae), Labcorp
Classification: Benign. Last evaluated: 2019-12-31. Review status: criteria provided, single submitter. Criteria: Invitae Variant Classification Sherloc (09022015). Collection method: clinical testing. Allele origin: germline.

Breakthrough Genomics
Classification: Benign. Review status: criteria provided, single submitter. Criteria: ACMG Guidelines, 2015. Collection method: not provided. Allele origin: germline. Inheritance: Unknown mechanism. Affected: yes.

NM_005666.4(CFHR2):c.395G>A (p.Arg132Gln)

Gene: CFHR2 (complement factor H related 2; plus strand). Cytogenetic location: 1q31.3.
Variant type: single nucleotide variant.
Coding change: c.395G>A on transcript NM_005666.4 (MANE Select); coding-DNA position 395, G replaced by A.
Protein change: p.Arg132Gln; replaces arginine 132 with glutamine.
Molecular consequence: missense variant. On other transcripts: intron variant (1).
Genome position (GRCh38, 1-based): chr1:196,950,993, G>A. VCF-style: chr1-196950993-G-A. GRCh37 (hg19) VCF-style: chr1-196920123-G-A.
Other names: p.Arg132Gln; c.59-6898G>A (NM_001312672.1); short protein forms R132Q.
Identifiers: ClinVar variation 789953 (VCV000789953.7), dbSNP rs75362023, ClinGen allele CA1307421.